The following is an entry in ClinVar:

NM_002485.5(NBN):c.1082C>T (p.Thr361Ile)

Gene: NBN (nibrin; minus strand). Cytogenetic location: 8q21.3.
Variant type: single nucleotide variant.
Coding change: c.1082C>T on transcript NM_002485.5 (MANE Select); coding-DNA position 1082, C replaced by T.
Protein change: p.Thr361Ile; replaces threonine 361 with isoleucine.
Molecular consequence: missense variant.
Genome position (GRCh38, 1-based): chr8:89,958,767, G>A on the plus strand (C>T on the coding strand, the complement: NBN is on the minus strand). VCF-style: chr8-89958767-G-A. GRCh37 (hg19) VCF-style: chr8-90970995-G-A.
Other names: c.836C>T, p.Thr279Ile (NM_001024688.3); short protein forms T279I, T361I.
Identifiers: ClinVar variation 1062285 (VCV001062285.9), dbSNP rs2129745254, ClinGen allele CA371656647.
Genomic context (GRCh38, chr8:89,958,767, plus strand): 5'-GTAATGAAGAAGCTTTACCATGTATCTGCTTGCTCTGATTCTGTGTCAGCTACGTATGTT[G>A]TAGTGTTCACTGGGGCGCTTGGCATTAGTTTTTCATCAACTGACACGCCTTGTGAAAGGC-3'
Protein context (NP_002476.2, residues 351-371): KLMPSAPVNT[Thr361Ile]TYVADTESEQ

ClinVar aggregate classification (germline): Uncertain significance (1 of 4 stars; one submission).

Conditions:
Microcephaly, normal intelligence and immunodeficiency (NBS). Also called: BERLIN BREAKAGE SYNDROME; SEEMANOVA SYNDROME II; Immunodeficiency, microcephaly with normal intelligence; Nijmegen breakage syndrome; Microcephaly with normal intelligence immunodeficiency and lymphoreticular malignancies; Nonsyndromal microcephaly autosomal recessive with normal intelligence. Identifiers: Orphanet 647, MedGen C0398791, MONDO:0009623, OMIM 251260.

Submission:

Labcorp Genetics (formerly Invitae), Labcorp
Classification: Uncertain significance for Microcephaly, normal intelligence and immunodeficiency. Last evaluated: 2020-10-27. Review status: criteria provided, single submitter. Criteria: Invitae Variant Classification Sherloc (09022015). Collection method: clinical testing. Allele origin: germline.
Comment: This sequence change replaces threonine with isoleucine at codon 361 of the NBN protein (p.Thr361Ile). The threonine residue is highly conserved and there is a moderate physicochemical difference between threonine and isoleucine. This variant is not present in population databases (ExAC no frequency). This variant has not been reported in the literature in individuals with NBN-related conditions. Algorithms developed to predict the effect of missense changes on protein structure and function are either unavailable or do not agree on the potential impact of this missense change (SIFT: "Deleterious"; PolyPhen-2: "Possibly Damaging"; Align-GVGD: "Class C15"). In summary, the available evidence is currently insufficient to determine the role of this variant in disease. Therefore, it has been classified as a Variant of Uncertain Significance.